The following is an entry in ClinVar:

NM_020975.6(RET):c.2136+15_2136+35del

Gene: RET (ret proto-oncogene; plus strand). Cytogenetic location: 10q11.21.
Variant type: Deletion.
Coding change: c.2136+15_2136+35del on transcript NM_020975.6 (MANE Select); bases 15 to 35 of the intron after coding-DNA position 2136, 21 bases deleted (GGGGCAGGGAAGATCCCCTGC).
Molecular consequence: intron variant.
Genome position (GRCh38, 1-based): chr10:43,114,751-43,114,771, GGGGCAGGGAAGATCCCCTGC deleted; deleting any 21 consecutive bases within chr10:43,114,745-43,114,771 gives the same sequence; the c. name uses the placement nearest the transcript's 3' end. VCF-style (leftmost placement, unchanged base first): chr10-43114744-TCCCTGCGGGGCAGGGAAGATC-T. GRCh37 (hg19) VCF-style: chr10-43610192-TCCCTGCGGGGCAGGGAAGATC-T.
Other names: c.2136+9_2136+29delCCCTGCGGGGCAGGGAAGATC (NM_020975.4); c.2136+15_2136+35del (NM_020630.7, NM_001406743.1, NM_001406744.1 and 2 more transcripts); c.2001+15_2001+35del (NM_001406765.1, NM_001406763.1); c.1740+15_1740+35del (NM_001406772.1, NM_001406769.1); c.1698+15_1698+35del (NM_001406773.1, NM_001406771.1); c.1239+15_1239+35del (NM_001406782.1, NM_001406780.1, NM_001406779.1 and 1 more transcripts); c.1104+15_1104+35del (NM_001406787.1); c.1119+15_1119+35del (NM_001406785.1); and 12 more.
Identifiers: ClinVar variation 219590 (VCV000219590.12), dbSNP rs753686672, ClinGen allele CA037524.

ClinVar aggregate classification (germline): Conflicting classifications of pathogenicity. Review status: criteria provided, conflicting classifications (1 of 4 stars). 2 submissions from 2 submitters: Uncertain significance (1); Likely benign (1). Last evaluated 2026-01-06.

Conditions:
Hereditary cancer-predisposing syndrome. Also called: Hereditary neoplastic syndrome; Tumor predisposition; Hereditary Cancer Syndrome; Neoplastic Syndromes, Hereditary. Identifiers: Orphanet 140162, MedGen C0027672, MeSH D009386, MONDO:0015356.
Multiple endocrine neoplasia, type 2 (MEN2). Identifiers: Orphanet 653, MedGen C4048306, MONDO:0019003. Disease mechanism: gain of function.

Submissions (2):

Labcorp Genetics (formerly Invitae), Labcorp
Classification: Likely benign for Multiple endocrine neoplasia, type 2. Last evaluated: 2026-01-06. Review status: criteria provided, single submitter. Criteria: Invitae Variant Classification Sherloc (09022015). Collection method: clinical testing. Allele origin: germline.

Ambry Genetics
Classification: Uncertain significance for Hereditary cancer-predisposing syndrome. Last evaluated: 2015-10-28. Review status: criteria provided, single submitter. Criteria: Ambry Variant Classification Scheme 2023. Collection method: clinical testing. Allele origin: germline.
Comment: The c.2136+15_2136+35del21 alteration is located in Intron 11 (E) of the RET gene. This alteration consists of a deletion of 2 nucleotides at nucleotide position c.213615 Intron 11 (E). Based on insufficient or conflicting evidence, the clinical significance of this alteration remains unclear.